The following is an entry in ClinVar:

NM_000059.4(BRCA2):c.4017T>G (p.Ser1339Arg)

Gene: BRCA2 (BRCA2 DNA repair associated; plus strand). Cytogenetic location: 13q13.1.
Variant type: single nucleotide variant.
Coding change: c.4017T>G on transcript NM_000059.4 (MANE Select); coding-DNA position 4017, T replaced by G.
Protein change: p.Ser1339Arg; replaces serine 1339 with arginine.
Molecular consequence: missense variant.
Genome position (GRCh38, 1-based): chr13:32,338,372, T>G. VCF-style: chr13-32338372-T-G. GRCh37 (hg19) VCF-style: chr13-32912509-T-G.
Other names: short protein forms S1339R.
Identifiers: ClinVar variation 944515 (VCV000944515.11), dbSNP rs1593901181, ClinGen allele CA387779033.

ClinVar aggregate classification (germline): Conflicting classifications of pathogenicity. Review status: criteria provided, conflicting classifications (1 of 4 stars). 2 submissions from 2 submitters: Uncertain significance (1); Likely benign (1). Last evaluated 2023-03-23.

Conditions:
Hereditary cancer-predisposing syndrome. Also called: Neoplastic Syndromes, Hereditary; Hereditary Cancer Syndrome; Tumor predisposition; Hereditary neoplastic syndrome. Identifiers: Orphanet 140162, MedGen C0027672, MeSH D009386, MONDO:0015356.
Hereditary breast ovarian cancer syndrome. Also called: Hereditary breast and ovarian cancer syndrome (HBOC); Hereditary breast and ovarian cancer; Breast and ovarian cancer; BRCA1- and BRCA2-Associated Hereditary Breast and Ovarian Cancer; Hereditary breast and ovarian cancer syndrome; Hereditary breast and/or ovarian cancer syndrome. Identifiers: Orphanet 145, MedGen C0677776, MeSH D061325, MONDO:0003582. Disease mechanism: loss of function.

Submissions (2):

University of Washington Department of Laboratory Medicine, University of Washington
Classification: Likely benign for Hereditary cancer-predisposing syndrome. Last evaluated: 2023-03-23. Review status: criteria provided, single submitter. Criteria: Dines et al. (Genet Med. 2020). Collection method: curation. Allele origin: germline.
Comment: Missense variant in a coldspot region where missense variants are very unlikely to be pathogenic (PMID:31911673).

BRCA2 exon 11 coldspot. Reclassification based on statistical prior probability.

Labcorp Genetics (formerly Invitae), Labcorp
Classification: Uncertain significance for Hereditary breast ovarian cancer syndrome. Last evaluated: 2019-06-09. Review status: criteria provided, single submitter. Criteria: Invitae Variant Classification Sherloc (09022015). Collection method: clinical testing. Allele origin: germline.
Comment: This sequence change replaces serine with arginine at codon 1339 of the BRCA2 protein (p.Ser1339Arg). The serine residue is weakly conserved and there is a moderate physicochemical difference between serine and arginine. This variant is not present in population databases (ExAC no frequency). This variant has not been reported in the literature in individuals with BRCA2-related conditions. Algorithms developed to predict the effect of missense changes on protein structure and function (SIFT, PolyPhen-2, Align-GVGD) all suggest that this variant is likely to be tolerated, but these predictions have not been confirmed by published functional studies and their clinical significance is uncertain. In summary, the available evidence is currently insufficient to determine the role of this variant in disease. Therefore, it has been classified as a Variant of Uncertain Significance.